The following is an entry in ClinVar:

NM_005051.3(QARS1):c.2173G>C (p.Ala725Pro)

Gene: QARS1 (glutaminyl-tRNA synthetase 1; minus strand). Cytogenetic location: 3p21.31.
Variant type: single nucleotide variant.
Coding change: c.2173G>C on transcript NM_005051.3 (MANE Select); coding-DNA position 2173, G replaced by C.
Protein change: p.Ala725Pro; replaces alanine 725 with proline.
Molecular consequence: missense variant. On other transcripts: non-coding transcript variant (1).
Genome position (GRCh38, 1-based): chr3:49,098,096, C>G on the plus strand (G>C on the coding strand, the complement: QARS1 is on the minus strand). VCF-style: chr3-49098096-C-G. GRCh37 (hg19) VCF-style: chr3-49135529-C-G.
Other names: c.2140G>C, p.Ala714Pro (NM_001272073.2); short protein forms A714P, A725P.
Identifiers: ClinVar variation 945621 (VCV000945621.6), dbSNP rs2042414825, ClinGen allele CA352697535.
Genomic context (GRCh38, chr3:49,098,096, plus strand): 5'-GCTCAAACTGGAACTTGTCGAAGGGTTTTGCCAGGGCCACAGAGCAGTCCACTAATGCTG[C>G]ATCCACCACGTGTAGTGATGCCTGCAGGCAGGGAACTCAGGCAACCATCCAACCAGGGAG-3'
Protein context (NP_005042.1, residues 715-735): LNLASLHVVD[Ala725Pro]ALVDCSVALA

ClinVar aggregate classification (germline): Uncertain significance (1 of 4 stars; one submission).

Conditions:
Diffuse cerebral and cerebellar atrophy - intractable seizures - progressive microcephaly syndrome. Also called: Microcephaly, progressive, with seizures and cerebral and cerebellar atrophy. Identifiers: Orphanet 404437, MedGen C4014239, MONDO:0014335, OMIM 615760.

Submission:

Labcorp Genetics (formerly Invitae), Labcorp
Classification: Uncertain significance for Diffuse cerebral and cerebellar atrophy - intractable seizures - progressive microcephaly syndrome. Last evaluated: 2019-05-05. Review status: criteria provided, single submitter. Criteria: Invitae Variant Classification Sherloc (09022015). Collection method: clinical testing. Allele origin: germline.
Comment: Algorithms developed to predict the effect of missense changes on protein structure and function (SIFT, PolyPhen-2, Align-GVGD) all suggest that this variant is likely to be tolerated, but these predictions have not been confirmed by published functional studies and their clinical significance is uncertain. In summary, the available evidence is currently insufficient to determine the role of this variant in disease. Therefore, it has been classified as a Variant of Uncertain Significance. This variant has not been reported in the literature in individuals with QARS-related conditions. This variant is not present in population databases (ExAC no frequency). This sequence change replaces alanine with proline at codon 725 of the QARS protein (p.Ala725Pro). The alanine residue is weakly conserved and there is a small physicochemical difference between alanine and proline.